The following is an entry in ClinVar:

ClinVar aggregate classification (germline): Likely pathogenic (1 of 4 stars; one submission).

Conditions:
Primary ciliary dyskinesia 3. Identifiers: Orphanet 244, MedGen C1837618, MONDO:0012085, OMIM 608644.

Submission:

Myriad Genetics, Inc.
Classification: Likely pathogenic for Primary ciliary dyskinesia 3. Last evaluated: 2022-03-21. Review status: criteria provided, single submitter. Criteria: Myriad Women's Health Autosomal Recessive and X-Linked Classification Criteria (2021). Collection method: clinical testing. Allele origin: unknown.
Comment: NM_001369.2(DNAH5):c.7605_7606ins8(D2536Wfs*38) is expected to be pathogenic in the context of DNAH5-related primary ciliary dyskinesia. This variant is predicted to lead to an abnormal or absent protein product due to the creation of a premature termination codon in DNAH5, a gene where loss-of-function variants are known to be pathogenic. Please note: this variant was assessed in the context of healthy population screening.

NM_001369.3(DNAH5):c.7605_7606insTGGGTGCT (p.Asp2536fs)

Gene: DNAH5 (dynein axonemal heavy chain 5; minus strand). Cytogenetic location: 5p15.2.
Variant type: Insertion.
Coding change: c.7605_7606insTGGGTGCT on transcript NM_001369.3 (MANE Select); coding-DNA positions 7605 to 7606, TGGGTGCT inserted.
Protein change: p.Asp2536fs; shifts the reading frame from aspartic acid 2536.
Molecular consequence: frameshift variant.
Genome position: GRCh38 VCF-style: chr5-13810062-C-CAGCACCCA. GRCh37 (hg19) VCF-style: chr5-13810171-C-CAGCACCCA.
Other names: short protein forms D2536fs.
Identifiers: ClinVar variation 1725443 (VCV001725443.2), dbSNP rs2546805288, ClinGen allele CA2580072015.